The following is an entry in ClinVar:

NM_000264.5(PTCH1):c.364_369dup (p.Thr123_Asn124insGluThr)

Gene: PTCH1 (patched 1; minus strand). Cytogenetic location: 9q22.32.
Variant type: Duplication.
Coding change: c.364_369dup on transcript NM_000264.5 (MANE Select); coding-DNA positions 364 to 369, 6 bases duplicated (GAGACC; older notation c.364_369dupGAGACC).
Protein change: p.Thr123_Asn124insGluThr.
Molecular consequence: inframe insertion. On other transcripts: 5 prime UTR variant (4), non-coding transcript variant (1), inframe indel (1).
Genome position (GRCh38, 1-based): chr9:95,506,432-95,506,437, GGTCTC duplicated on the plus strand (GAGACC on the coding strand, the reverse complement: PTCH1 is on the minus strand); duplicating any 6 consecutive bases within chr9:95,506,432-95,506,438 gives the same sequence; the c. name uses the placement nearest the transcript's 3' end. VCF-style (leftmost placement, unchanged base first): chr9-95506431-T-TGGTCTC. GRCh37 (hg19) VCF-style: chr9-98268713-T-TGGTCTC.
Other names: c.166_171dup, p.Thr57_Asn58insGluThr (NM_001083602.3, NM_001354919.2); c.361_366dup, p.Thr122_Asn123insGluThr (NM_001083603.3); c.-90_-85dup (NM_001083604.3, NM_001083605.3, NM_001083606.3 and 1 more transcripts); c.364_369dup, p.Thr123_Asn124insGluThr (NM_001354918.2); c.364_369dupGAGACC (NM_000264.3).
Identifiers: ClinVar variation 1733507 (VCV001733507.3), dbSNP rs2538382045, ClinGen allele CA2580080712.

ClinVar aggregate classification (germline): Uncertain significance (1 of 4 stars; one submission).

Conditions:
Hereditary cancer-predisposing syndrome. Also called: Neoplastic Syndromes, Hereditary; Tumor predisposition; Hereditary Cancer Syndrome; Hereditary neoplastic syndrome. Identifiers: Orphanet 140162, MedGen C0027672, MeSH D009386, MONDO:0015356.

Submission:

Ambry Genetics
Classification: Uncertain significance for Hereditary cancer-predisposing syndrome. Last evaluated: 2024-11-21. Review status: criteria provided, single submitter. Criteria: Ambry Variant Classification Scheme 2023. Collection method: clinical testing. Allele origin: germline.
Comment: The c.364_369dupGAGACC variant (also known as p.E122_T123dup), located in coding exon 2 of the PTCH1 gene, results from an in-frame duplication of GAGACC at nucleotide positions 364 to 369. This results in the duplication of 2 extra residues (ET) between codons 122 and 123. This amino acid region is well conserved in available vertebrate species. In addition, this alteration is predicted to be deleterious by in silico analysis (Choi Y et al. PLoS ONE. 2012; 7(10):e46688). Since supporting evidence is limited at this time, the clinical significance of this alteration remains unclear.